The following is an entry in ClinVar:

ClinVar aggregate classification (germline): Uncertain significance. Review status: criteria provided, multiple submitters, no conflicts (2 of 4 stars). 2 submissions from 2 submitters: Uncertain significance (2). Last evaluated 2021-10-04.

Conditions:
Hypertrophic cardiomyopathy 9. Also called: Familial hypertrophic cardiomyopathy 9. Identifiers: MedGen C1861065, MONDO:0013412, OMIM 613765.
Tibial muscular dystrophy (TMD). Also called: UDD MYOPATHY; Udd Distal Myopathy – Tibial Muscular Dystrophy; Tibial muscular dystrophy, tardive. Identifiers: Orphanet 609, MedGen C1838244, MONDO:0010870, OMIM 600334.
Early-onset myopathy with fatal cardiomyopathy (CMYO5). Also called: Salih Myopathy; CONGENITAL MYOPATHY 5 WITH CARDIOMYOPATHY. Identifiers: Orphanet 289377, MedGen C2673677, MONDO:0012714, OMIM 611705. Disease mechanism: loss of function.
Myopathy, myofibrillar, 9, with early respiratory failure (MFM9). Also called: MYOPATHY, PROXIMAL, WITH EARLY RESPIRATORY MUSCLE INVOLVEMENT; Hereditary myopathy with early respiratory failure; EDSTROM MYOPATHY; Myopathy, distal, with early respiratory failure, autosomal dominant. Identifiers: Orphanet 178464, Orphanet 34521, MedGen C1863599, MONDO:0011362, OMIM 603689.
Dilated cardiomyopathy 1G (CMD1G). Identifiers: Orphanet 154, MedGen C1858763, MONDO:0011400, OMIM 604145.
Autosomal recessive limb-girdle muscular dystrophy type 2J (LGMDR10). Also called: Limb-girdle muscular dystrophy, type 2J; MUSCULAR DYSTROPHY, LIMB-GIRDLE, AUTOSOMAL RECESSIVE 10. Identifiers: Orphanet 140922, MedGen C1837342, MONDO:0012127, OMIM 608807.

Allele frequency attached by ClinVar (database versions not stated): gnomAD exomes below 0.00001; TOPMed 0.00002.
gnomAD v4.1: 3 of 1,612,724 alleles (0.00019%); highest among the groups gnomAD compares: African/African-American, 0.0013%; no homozygotes.

Submissions (2):

Fulgent Genetics
Classification: Uncertain significance for Tibial muscular dystrophy; Myopathy, myofibrillar, 9, with early respiratory failure; Dilated cardiomyopathy 1G; Autosomal recessive limb-girdle muscular dystrophy type 2J; Early-onset myopathy with fatal cardiomyopathy; Hypertrophic cardiomyopathy 9. Last evaluated: 2021-10-04. Review status: criteria provided, single submitter. Criteria: ACMG Guidelines, 2015. Collection method: clinical testing. Allele origin: unknown.

Baylor Genetics
Classification: Uncertain significance for Myopathy, myofibrillar, 9, with early respiratory failure. Last evaluated: 2018-01-31. Review status: criteria provided, single submitter. Criteria: ACMG Guidelines, 2015. Collection method: clinical testing. Allele origin: paternal. Affected: yes.
Comment: This variant was determined to be of uncertain significance according to ACMG Guidelines, 2015 [PMID:25741868].

NM_001267550.2(TTN):c.34207G>C (p.Glu11403Gln)

Gene: TTN (titin; minus strand). Cytogenetic location: 2q31.2.
Variant type: single nucleotide variant.
Coding change: c.34207G>C on transcript NM_001267550.2 (MANE Select); coding-DNA position 34207, G replaced by C.
Protein change: p.Glu11403Gln; replaces glutamic acid 11403 with glutamine.
Molecular consequence: missense variant. On other transcripts: intron variant (3).
Genome position (GRCh38, 1-based): chr2:178,677,705, C>G on the plus strand (G>C on the coding strand, the complement: TTN is on the minus strand). VCF-style: chr2-178677705-C-G. GRCh37 (hg19) VCF-style: chr2-179542432-C-G.
Other names: c.33256G>C, p.Glu11086Gln (NM_001256850.1); c.30475G>C, p.Glu10159Gln (NM_133378.4); c.13283-35388G>C (NM_003319.4); c.13859-35388G>C (NM_133437.4); c.13658-35388G>C (NM_133432.3); short protein forms E11086Q, E11403Q, E10159Q.
Identifiers: ClinVar variation 1034240 (VCV001034240.2), dbSNP rs878921943, ClinGen allele CA60982416.